The following is an entry in ClinVar:

ClinVar aggregate classification (germline): Uncertain significance. Review status: criteria provided, single submitter (1 of 4 stars). 2 submissions from 2 submitters: Uncertain significance (1). 1 of the submissions does not count toward it. Last evaluated 2021-08-28.

Conditions:
Nemaline myopathy 2 (NEM2). Also called: Nemaline myopathy 2, autosomal recessive. Identifiers: MedGen C1850569, MONDO:0009725, OMIM 256030.

Allele frequency attached by ClinVar (database versions not stated): gnomAD 0.00001.
gnomAD v4.1: 1 of 1,613,860 alleles (0.000062%); highest among the groups gnomAD compares: Admixed American, 0.0017%; no homozygotes.

Submissions (2):

Labcorp Genetics (formerly Invitae), Labcorp
Classification: Uncertain significance for Nemaline myopathy 2. Last evaluated: 2021-08-28. Review status: criteria provided, single submitter. Criteria: Invitae Variant Classification Sherloc (09022015). Collection method: clinical testing. Allele origin: germline.
Comment: This sequence change replaces threonine with isoleucine at codon 3346 of the NEB protein (p.Thr3346Ile). The threonine residue is moderately conserved and there is a moderate physicochemical difference between threonine and isoleucine. This variant is not present in population databases (ExAC no frequency). This variant has not been reported in the literature in individuals affected with NEB-related conditions. Algorithms developed to predict the effect of missense changes on protein structure and function output the following: SIFT: "Tolerated"; PolyPhen-2: "Not Available"; Align-GVGD: "Class C0". The isoleucine amino acid residue is found in multiple mammalian species, which suggests that this missense change does not adversely affect protein function. In summary, the available evidence is currently insufficient to determine the role of this variant in disease. Therefore, it has been classified as a Variant of Uncertain Significance.

Natera, Inc.
Classification: Uncertain significance for Nemaline myopathy type 2. Last evaluated: 2020-09-08. Review status: no assertion criteria provided. Collection method: clinical testing. Allele origin: germline. Not counted in ClinVar's aggregate classification.

NM_001164508.2(NEB):c.10037C>T (p.Thr3346Ile)

Gene: NEB (nebulin; minus strand). Cytogenetic location: 2q23.3.
Variant type: single nucleotide variant.
Coding change: c.10037C>T on transcript NM_001164508.2 (MANE Select); coding-DNA position 10037, C replaced by T.
Protein change: p.Thr3346Ile; replaces threonine 3346 with isoleucine.
Molecular consequence: missense variant.
Genome position (GRCh38, 1-based): chr2:151,627,629, G>A on the plus strand (C>T on the coding strand, the complement: NEB is on the minus strand). VCF-style: chr2-151627629-G-A. GRCh37 (hg19) VCF-style: chr2-152484143-G-A.
Other names: c.10037C>T, p.Thr3346Ile (NM_001164507.2, NM_001271208.2); c.9308C>T, p.Thr3103Ile (NM_004543.5); short protein forms T3346I, T3103I.
Identifiers: ClinVar variation 567649 (VCV000567649.10), dbSNP rs1560628791, ClinGen allele CA348794933.